The following is an entry in ClinVar:

ClinVar aggregate classification (germline): Likely pathogenic (1 of 4 stars; one submission).

Conditions:
Osteogenesis imperfecta (OI). Identifiers: Orphanet 666, MedGen C0029434, MeSH D010013, MONDO:0019019.

Submission:

Genetics Department, Polish Mother's Memorial Hospital Research Institute
Classification: Likely pathogenic for Osteogenesis imperfecta. Last evaluated: 2020-04-06. Review status: criteria provided, single submitter. Criteria: ACMG Guidelines, 2015. Collection method: research. Allele origin: unknown. Affected: yes. Observed: 1 variant allele.
Comment: Patient's parents were not available for clinical testing.

NM_000089.4(COL1A2):c.1216_1218del (p.Gly406del)

Gene: COL1A2 (collagen type I alpha 2 chain; plus strand). Cytogenetic location: 7q21.3.
Variant type: Deletion.
Coding change: c.1216_1218del on transcript NM_000089.4 (MANE Select); coding-DNA positions 1216 to 1218, 3 bases deleted (GGT; older notation c.1216_1218delGGT).
Protein change: p.Gly406del; deletes glycine 406.
Molecular consequence: inframe deletion.
Genome position (GRCh38, 1-based): chr7:94,410,907-94,410,909, GGT deleted; deleting any 3 consecutive bases within chr7:94,410,905-94,410,909 gives the same sequence; the c. name uses the placement nearest the transcript's 3' end. VCF-style (leftmost placement, unchanged base first): chr7-94410904-CGTG-C. GRCh37 (hg19) VCF-style: chr7-94040216-CGTG-C.
Other names: short protein forms G406del.
Identifiers: ClinVar variation 870111 (VCV000870111.2), dbSNP rs1791907178, ClinGen allele CA1139659914.
Genomic context (GRCh38, chr7:94,410,904, plus strand): 5'-CAAGAGATTTCTTTAATTCTCTCTATTTCATGTACTTTCTTGCAGGGTAGTCCTGGTTCT[CGTG>C]GTCTTCCTGGAGCTGATGGCAGAGCTGGCGTCATGGTAAGCTGTCTATCACTTACTTCCT-3'